The following is an entry in ClinVar:

NM_015046.7(SETX):c.472T>G (p.Leu158Val)

Gene: SETX (senataxin; minus strand). Cytogenetic location: 9q34.13.
Variant type: single nucleotide variant.
Coding change: c.472T>G on transcript NM_015046.7 (MANE Select); coding-DNA position 472, T replaced by G.
Protein change: p.Leu158Val; replaces leucine 158 with valine.
Molecular consequence: missense variant.
Genome position (GRCh38, 1-based): chr9:132,342,716, A>C on the plus strand (T>G on the coding strand, the complement: SETX is on the minus strand). VCF-style: chr9-132342716-A-C. GRCh37 (hg19) VCF-style: chr9-135218103-A-C.
Other names: c.472T>G, p.Leu158Val (NM_001351527.2, NM_001351528.2); short protein forms L158V.
Identifiers: ClinVar variation 365376 (VCV000365376.110), dbSNP rs145438764, ClinGen allele CA5298036.
Genomic context (GRCh38, chr9:132,342,716, plus strand): 5'-ATATACCCTTCTATCGCCCAACACTCACACTCACCATTTCATTGGGATGGACTAAAAACA[A>C]ATAGATCCCTGGATGTTTATCAAACACCTGAAAGGAGCAATTGGCTTGTTCCATCCGACA-3'
Protein context (NP_055861.3, residues 148-168): QVFDKHPGIY[Leu158Val]FLVHPNEMVR

ClinVar aggregate classification (germline): Conflicting classifications of pathogenicity. Review status: criteria provided, conflicting classifications (1 of 4 stars). 15 submissions from 14 submitters: Uncertain significance (1); Benign (3); Likely benign (11). Last evaluated 2026-09-01.

Conditions:
Spinocerebellar ataxia, autosomal recessive, with axonal neuropathy 2 (SCAN2). Also called: Ataxia-ocular apraxia-2; Ataxia with Oculomotor Apraxia; Ataxia with Oculomotor Apraxia Type 2; ATAXIA-OCULOMOTOR APRAXIA 2. Identifiers: Orphanet 64753, MedGen C1853761, MONDO:0018996, OMIM 606002.
Amyotrophic lateral sclerosis type 4 (ALS4). Also called: AMYOTROPHIC LATERAL SCLEROSIS 4, JUVENILE; NEURONOPATHY, DISTAL HEREDITARY MOTOR, WITH PYRAMIDAL FEATURES. Identifiers: Orphanet 357043, MedGen C1865409, MONDO:0011223, OMIM 602433.
Inborn genetic diseases. Identifiers: MedGen C0950123, MeSH D030342.
SETX-related disorder. Also called: SETX-related condition; SETX-related disorders. Identifiers: MedGen CN239403.
Hereditary spastic paraplegia. Also called: Familial spastic paraparesis. Identifiers: Orphanet 685, MedGen C0037773, MONDO:0019064. Disease mechanism: loss of function.

Allele frequency attached by ClinVar (database versions not stated): 1000 Genomes Project 0.00160; 1000 Genomes Project 30x 0.00187; TOPMed 0.00304; gnomAD 0.00347 and 0.00348; ExAC 0.00371; gnomAD exomes 0.00375 and 0.00493; ESP Exome Variant Server 0.00400.
gnomAD v4.1: 7,661 of 1,613,718 alleles (0.47%); highest among the groups gnomAD compares: Middle Eastern, 0.73%; 27 homozygotes.

Submissions (15):

CeGaT Center for Human Genetics Tuebingen
Classification: Likely benign. Last evaluated: 2026-09-01. Review status: criteria provided, single submitter. Criteria: CeGaT Center For Human Genetics Tuebingen Variant Classification Criteria Version 2. Collection method: clinical testing. Allele origin: germline. Affected: yes. Observed: 38 variant alleles.
Comment: SETX: BS2

Labcorp Genetics (formerly Invitae), Labcorp
Classification: Likely benign for Amyotrophic lateral sclerosis type 4; Spinocerebellar ataxia, autosomal recessive, with axonal neuropathy 2. Last evaluated: 2026-01-20. Review status: criteria provided, single submitter. Criteria: Invitae Variant Classification Sherloc (09022015). Collection method: clinical testing. Allele origin: germline.

PreventionGenetics, part of Exact Sciences
Classification: Likely benign for SETX-related condition. Last evaluated: 2025-09-29. Review status: criteria provided, single submitter. Criteria: ACMG Guidelines, 2015. Collection method: clinical testing. Allele origin: germline.
Comment: This variant is classified as likely benign based on ACMG/AMP sequence variant interpretation guidelines (Richards et al. 2015 PMID: 25741868, with internal and published modifications).

Blueprint Genetics
Classification: Likely benign. Last evaluated: 2024-11-27. Review status: criteria provided, single submitter. Criteria: ACMG Guidelines, 2015. Collection method: clinical testing. Allele origin: germline.

Mayo Clinic Laboratories, Mayo Clinic
Classification: Benign. Last evaluated: 2024-05-07. Review status: criteria provided, single submitter. Criteria: ACMG Guidelines, 2015. Collection method: clinical testing. Allele origin: germline. Observed: 24 variant alleles.
Comment: BA1, BS1, BS2

ARUP Laboratories, Molecular Genetics and Genomics, ARUP Laboratories
Classification: Likely benign. Last evaluated: 2023-11-29. Review status: criteria provided, single submitter. Criteria: ARUP Molecular Germline Variant Investigation Process 2024. Collection method: clinical testing. Allele origin: germline.

Women's Health and Genetics/Laboratory Corporation of America, LabCorp
Classification: Likely benign. Last evaluated: 2023-06-26. Review status: criteria provided, single submitter. Criteria: LabCorp Variant Classification Summary - May 2015. Collection method: clinical testing. Allele origin: germline.

Ambry Genetics
Classification: Likely benign for Inborn genetic diseases. Last evaluated: 2021-10-22. Review status: criteria provided, single submitter. Criteria: Ambry Variant Classification Scheme 2023. Collection method: clinical testing. Allele origin: germline.

Genome Diagnostics Laboratory, The Hospital for Sick Children
Classification: Likely benign for Hereditary spastic paraplegia. Last evaluated: 2021-09-01. Review status: criteria provided, single submitter. Criteria: ACMG Guidelines, 2015. Collection method: clinical testing. Allele origin: germline. Affected: yes.

GeneDx
Classification: Likely benign. Last evaluated: 2021-04-19. Review status: criteria provided, single submitter. Criteria: GeneDx Variant Classification Process June 2021. Collection method: clinical testing. Allele origin: germline. Affected: yes.
Comment: This variant is associated with the following publications: (PMID: 25174650, 25382069, 27013921, 29525178)

Dubai Health Genomic Medicine Center, Dubai Health
Classification: Likely benign for Spinocerebellar ataxia, autosomal recessive, with axonal neuropathy 2. Last evaluated: 2021-02-25. Review status: criteria provided, single submitter. Criteria: ACMG Guidelines, 2015. Collection method: clinical testing. Allele origin: germline. Affected: yes.

Kariminejad - Najmabadi Pathology & Genetics Center
Classification: Uncertain significance. Last evaluated: 2020-02-25. Review status: criteria provided, single submitter. Criteria: ACMG Guidelines, 2015. Collection method: clinical testing. Allele origin: germline. Inheritance: Autosomal recessive inheritance. Affected: yes.
Comment: PP4?, PP5?

Athena Diagnostics
Classification: Benign. Last evaluated: 2018-11-30. Review status: criteria provided, single submitter. Criteria: Athena Diagnostics Criteria. Collection method: clinical testing. Allele origin: germline.

Illumina Laboratory Services, Illumina
Classification: Likely benign for Spinocerebellar ataxia, autosomal recessive, with axonal neuropathy 2. Last evaluated: 2018-01-12. Review status: criteria provided, single submitter. Criteria: ICSL Variant Classification Criteria 13 December 2019. Collection method: clinical testing. Allele origin: germline.
Comment: This variant was observed in the ICSL laboratory as part of a predisposition screen in an ostensibly healthy population. It had not been previously curated by ICSL or reported in the Human Gene Mutation Database (HGMD: prior to June 1st, 2018), and was therefore a candidate for classification through an automated scoring system. Utilizing variant allele frequency, disease prevalence and penetrance estimates, and inheritance mode, an automated score was calculated to assess if this variant is too frequent to cause the disease. Based on the score and internal cut-off values, a variant classified as likely benign is not then subjected to further curation. The score for this variant resulted in a classification of likely benign for this disease.

Illumina Laboratory Services, Illumina
Classification: Benign for Amyotrophic lateral sclerosis type 4. Last evaluated: 2018-01-12. Review status: criteria provided, single submitter. Criteria: ICSL Variant Classification Criteria 13 December 2019. Collection method: clinical testing. Allele origin: germline.
Comment: This variant was observed in the ICSL laboratory as part of a predisposition screen in an ostensibly healthy population. It had not been previously curated by ICSL or reported in the Human Gene Mutation Database (HGMD: prior to June 1st, 2018), and was therefore a candidate for classification through an automated scoring system. Utilizing variant allele frequency, disease prevalence and penetrance estimates, and inheritance mode, an automated score was calculated to assess if this variant is too frequent to cause the disease. Based on the score and internal cut-off values, a variant classified as benign is not then subjected to further curation. The score for this variant resulted in a classification of benign for this disease.

Literature cited by the submitters: PubMed 25174650 (cited by Ambry Genetics and Athena Diagnostics); PubMed 25382069 (cited by Ambry Genetics and Athena Diagnostics); PubMed 29525178 (cited by Ambry Genetics); PubMed 27013921 (cited by Athena Diagnostics).